The following is an entry in ClinVar:

NM_001034850.3(RETREG1):c.999T>A (p.Asp333Glu)

Gene: RETREG1 (reticulophagy regulator 1; minus strand). Cytogenetic location: 5p15.1.
Variant type: single nucleotide variant.
Coding change: c.999T>A on transcript NM_001034850.3 (MANE Select); coding-DNA position 999, T replaced by A.
Protein change: p.Asp333Glu; replaces aspartic acid 333 with glutamic acid.
Molecular consequence: missense variant.
Genome position (GRCh38, 1-based): chr5:16,477,663, A>T on the plus strand (T>A on the coding strand, the complement: RETREG1 is on the minus strand). VCF-style: chr5-16477663-A-T. GRCh37 (hg19) VCF-style: chr5-16477772-A-T.
Other names: c.576T>A, p.Asp192Glu (NM_019000.5); c.999T>A (NM_001034850.1); short protein forms D333E, D192E.
Identifiers: ClinVar variation 538130 (VCV000538130.2), dbSNP rs771586180, ClinGen allele CA3210273.

ClinVar aggregate classification (germline): Uncertain significance. Review status: criteria provided, multiple submitters, no conflicts (2 of 4 stars). 2 submissions from 2 submitters: Uncertain significance (2). Last evaluated 2024-08-01.

Conditions:
Inborn genetic diseases. Identifiers: MedGen C0950123, MeSH D030342.
Neuropathy, hereditary sensory and autonomic, type 2B (HSAN2B). Also called: RETREG1-Related HSAN2 (HSAN2B). Identifiers: Orphanet 970, MedGen C2751092, MONDO:0013142, OMIM 613115.

gnomAD v4.1: 8 of 1,612,890 alleles (0.0005%); highest among the groups gnomAD compares: Admixed American, 0.0017%; no homozygotes.

Submissions (2):

Ambry Genetics
Classification: Uncertain significance for Inborn genetic diseases. Last evaluated: 2024-08-01. Review status: criteria provided, single submitter. Criteria: Ambry Variant Classification Scheme 2023. Collection method: clinical testing. Allele origin: germline.

Labcorp Genetics (formerly Invitae), Labcorp
Classification: Uncertain significance for Neuropathy, hereditary sensory and autonomic, type 2B. Last evaluated: 2017-08-31. Review status: criteria provided, single submitter. Criteria: Invitae Variant Classification Sherloc (09022015). Collection method: clinical testing. Allele origin: germline.
Comment: This sequence change replaces aspartic acid with glutamic acid at codon 333 of the FAM134B protein (p.Asp333Glu). The aspartic acid residue is highly conserved and there is a small physicochemical difference between aspartic acid and glutamic acid. This variant is present in population databases (rs771586180, ExAC 0.002%). This variant has not been reported in the literature in individuals with FAM134B-related disease. Algorithms developed to predict the effect of missense changes on protein structure and function output the following: SIFT: "Tolerated"; PolyPhen-2: "Benign"; Align-GVGD: "Class C0". The glutamic acid amino acid residue is found in multiple mammalian species, suggesting that this missense change does not adversely affect protein function. These predictions have not been confirmed by published functional studies and their clinical significance is uncertain. In summary, the available evidence is currently insufficient to determine the role of this variant in disease. Therefore, it has been classified as a Variant of Uncertain Significance.